The following is an entry in ClinVar:

NM_000053.4(ATP7B):c.3615T>C (p.Ala1205=)

Gene: ATP7B (ATPase copper transporting beta; minus strand). Cytogenetic location: 13q14.3.
Variant type: single nucleotide variant.
Coding change: c.3615T>C on transcript NM_000053.4 (MANE Select); coding-DNA position 3615, T replaced by C.
Protein change: p.Ala1205=; no amino-acid change (alanine 1205 retained).
Molecular consequence: synonymous variant.
Genome position (GRCh38, 1-based): chr13:51,939,135, A>G on the plus strand (T>C on the coding strand, the complement: ATP7B is on the minus strand). VCF-style: chr13-51939135-A-G. GRCh37 (hg19) VCF-style: chr13-52513271-A-G.
Other names: c.2994T>C, p.Ala998= (NM_001005918.3); c.3282T>C, p.Ala1094= (NM_001243182.2); c.3381T>C, p.Ala1127= (NM_001330578.2); c.3363T>C, p.Ala1121= (NM_001330579.2).
Identifiers: ClinVar variation 994351 (VCV000994351.18), dbSNP rs755324767, ClinGen allele CA6988624.

ClinVar aggregate classification (germline): Likely benign. Review status: criteria provided, multiple submitters, no conflicts (2 of 4 stars). 5 submissions from 5 submitters: Likely benign (5). Last evaluated 2025-06-24.

Conditions:
Wilson disease (WND). Also called: Wilson's disease. Identifiers: Orphanet 905, MedGen C0019202, MONDO:0010200, OMIM 277900. Disease mechanism: loss of function.

Allele frequency attached by ClinVar (database versions not stated): ExAC 0.00001; gnomAD exomes below 0.00001.
gnomAD v4.1: 7 of 1,614,256 alleles (0.00043%); highest among the groups gnomAD compares: East Asian, 0.0045%; no homozygotes.

Submissions (5):

Labcorp Genetics (formerly Invitae), Labcorp
Classification: Likely benign for Wilson disease. Last evaluated: 2025-06-24. Review status: criteria provided, single submitter. Criteria: Invitae Variant Classification Sherloc (09022015). Collection method: clinical testing. Allele origin: germline.

All of Us Research Program, National Institutes of Health
Classification: Likely benign for Wilson disease. Last evaluated: 2023-06-26. Review status: criteria provided, single submitter. Criteria: ACMG Guidelines, 2015. Collection method: clinical testing. Allele origin: germline. Inheritance: Autosomal recessive inheritance. Observed: 3 variant alleles, 3 heterozygotes.
Comment: This study involves interpretation of variants in research participants for the purpose of population health screening. Participant phenotype was not available at the time of variant classification. Additional details can be found in publication PMID: 35346344, PMCID: PMC8962531

Color Diagnostics, LLC DBA Color Health
Classification: Likely benign for Wilson disease. Last evaluated: 2022-05-26. Review status: criteria provided, single submitter. Criteria: ACMG Guidelines, 2015. Collection method: clinical testing. Allele origin: germline.

Fulgent Genetics
Classification: Likely benign for Wilson disease. Last evaluated: 2021-10-20. Review status: criteria provided, single submitter. Criteria: ACMG Guidelines, 2015. Collection method: clinical testing. Allele origin: unknown.

ARUP Laboratories, Molecular Genetics and Genomics, ARUP Laboratories
Classification: Likely benign for Wilson disease. Last evaluated: 2020-06-03. Review status: criteria provided, single submitter. Criteria: ARUP Molecular Germline Variant Investigation Process. Collection method: clinical testing. Allele origin: germline.